The following is an entry in ClinVar:

ClinVar aggregate classification (germline): Uncertain significance. Review status: criteria provided, multiple submitters, no conflicts (2 of 4 stars). 3 submissions from 3 submitters: Uncertain significance (2). 1 of the submissions does not count toward it. Last evaluated 2024-07-22.

Conditions:
Rubinstein-Taybi syndrome (RSTS). Identifiers: Orphanet 783, MedGen C0035934, MONDO:0019188.
CREBBP-related disorder. Also called: CREBBP-related disorders; CREBBP-related condition.

Allele frequency attached by ClinVar (database versions not stated): ExAC 0.00002; gnomAD exomes 0.00002 and 0.00003; TOPMed 0.00002; gnomAD 0.00003 and 0.00004.
gnomAD v4.1: 51 of 1,614,064 alleles (0.0032%); highest among the groups gnomAD compares: Non-Finnish European, 0.0042%; no homozygotes.

Submissions (3):

Labcorp Genetics (formerly Invitae), Labcorp
Classification: Uncertain significance for Rubinstein-Taybi syndrome. Last evaluated: 2024-07-22. Review status: criteria provided, single submitter. Criteria: Invitae Variant Classification Sherloc (09022015). Collection method: clinical testing. Allele origin: germline.
Comment: This sequence change affects codon 704 of the CREBBP mRNA. It is a 'silent' change, meaning that it does not change the encoded amino acid sequence of the CREBBP protein. It affects a nucleotide within the consensus splice site. This variant is present in population databases (rs398124142, gnomAD 0.004%). This variant has not been reported in the literature in individuals affected with CREBBP-related conditions. ClinVar contains an entry for this variant (Variation ID: 95031). Algorithms developed to predict the effect of sequence changes on RNA splicing suggest that this variant is not likely to affect RNA splicing. In summary, the available evidence is currently insufficient to determine the role of this variant in disease. Therefore, it has been classified as a Variant of Uncertain Significance.

Eurofins Ntd Llc (ga)
Classification: Uncertain significance. Last evaluated: 2013-10-10. Review status: criteria provided, single submitter. Criteria: EGL Classification Definitions 2015. Collection method: clinical testing. Allele origin: germline. Observed: 1 variant allele, 1 heterozygote.

PreventionGenetics, part of Exact Sciences
Classification: Likely benign for CREBBP-related condition. Last evaluated: 2021-10-15. Review status: no assertion criteria provided. Collection method: clinical testing. Allele origin: germline. Not counted in ClinVar's aggregate classification.
Comment: This variant is classified as likely benign based on ACMG/AMP sequence variant interpretation guidelines (Richards et al. 2015 PMID: 25741868, with internal and published modifications).

NM_004380.3(CREBBP):c.2112A>G (p.Pro704=)

Gene: CREBBP (CREB binding lysine acetyltransferase; minus strand). Cytogenetic location: 16p13.3.
Variant type: single nucleotide variant.
Coding change: c.2112A>G on transcript NM_004380.3 (MANE Select); coding-DNA position 2112, A replaced by G.
Protein change: p.Pro704=; no amino-acid change (proline 704 retained).
Molecular consequence: synonymous variant.
Genome position (GRCh38, 1-based): chr16:3,778,012, T>C on the plus strand (A>G on the coding strand, the complement: CREBBP is on the minus strand). VCF-style: chr16-3778012-T-C. GRCh37 (hg19) VCF-style: chr16-3828013-T-C.
Other names: c.1998A>G, p.Pro666= (NM_001079846.1).
Identifiers: ClinVar variation 95031 (VCV000095031.11), dbSNP rs398124142, ClinGen allele CA222681.
Genomic context (GRCh38, chr16:3,778,012, plus strand): 5'-ACACGAAGGAAAACCAAGGAAACAGGCTAAGGGATGGCAGTAGGAAATAAAATCCTTACT[T>C]GGAGGTCTCACAGGTTGTGCCTGTGGAATCACAGGGGGCTGAGCCCCCGGGGCTGGTAAG-3'
Protein context (NP_004371.2, residues 694-714): VIPQAQPVRP[Pro704=]NGPLSLPVNR